The following is an entry in ClinVar:

ClinVar aggregate classification (germline): Uncertain significance (0 of 4 stars; one submission).

Conditions:
GNAS-related disorder. Identifiers: MedGen CN380105.

gnomAD v4.1: 1 of 1,190,068 alleles (0.000084%); highest among the groups gnomAD compares: African/African-American, 0.0016%; no homozygotes.

Submission:

PreventionGenetics, part of Exact Sciences
Classification: Uncertain significance for GNAS-related condition. Last evaluated: 2024-04-25. Review status: no assertion criteria provided. Collection method: clinical testing. Allele origin: germline.
Comment: The GNAS c.10C>T variant is predicted to result in the amino acid substitution p.Leu4Phe. To our knowledge, this variant has not been reported in the literature or in a large population database, indicating this variant is rare. At this time, the clinical significance of this variant is uncertain due to the absence of conclusive functional and genetic evidence.

NM_000516.7(GNAS):c.10C>T (p.Leu4Phe)

Gene: GNAS (GNAS complex locus; plus strand). Cytogenetic location: 20q13.32.
Variant type: single nucleotide variant.
Coding change: c.10C>T on transcript NM_000516.7 (MANE Select); coding-DNA position 10, C replaced by T.
Protein change: p.Leu4Phe; replaces leucine 4 with phenylalanine.
Molecular consequence: missense variant. On other transcripts: intron variant (8).
Genome position (GRCh38, 1-based): chr20:58,891,736, C>T. VCF-style: chr20-58891736-C-T. GRCh37 (hg19) VCF-style: chr20-57466791-C-T.
Other names: c.10C>T, p.Leu4Phe (NM_001077488.5, NM_001077489.4, NM_001309842.2 and 1 more transcripts); c.*43-3876C>T (NM_016592.5); c.44-3876C>T (NM_001410912.1); c.-38-3876C>T (NM_001309861.2); c.*1-3876C>T (NM_001077490.3); c.2069-3876C>T (NM_080425.4, NM_001410913.1); c.*159-3876C>T (NM_001309883.1); c.-39+2383C>T (NM_001309840.2); short protein forms L4F.
Identifiers: ClinVar variation 3349977 (VCV003349977.1).